The following is an entry in ClinVar:

NM_000552.5(VWF):c.4837T>C (p.Ser1613Pro)

Gene: VWF (von Willebrand factor; minus strand). Cytogenetic location: 12p13.31.
Variant type: single nucleotide variant.
Coding change: c.4837T>C on transcript NM_000552.5 (MANE Select); coding-DNA position 4837, T replaced by C.
Protein change: p.Ser1613Pro; replaces serine 1613 with proline.
Molecular consequence: missense variant.
Genome position (GRCh38, 1-based): chr12:6,018,581, A>G on the plus strand (T>C on the coding strand, the complement: VWF is on the minus strand). VCF-style: chr12-6018581-A-G. GRCh37 (hg19) VCF-style: chr12-6127747-A-G.
Other names: NM_000552.5(VWF):c.4837T>C; c.4837T>C (NM_000552.4); short protein forms S1613P.
Identifiers: ClinVar variation 292 (VCV000000292.3), dbSNP rs61750581, ClinGen allele CA114131.

ClinVar aggregate classification (germline): Uncertain significance. Review status: reviewed by expert panel (3 of 4 stars). 4 submissions from 4 submitters: Uncertain significance (1). 3 of the submissions do not count toward it. Last evaluated 2025-02-04.

Conditions:
VWF-related disorder. Also called: VWF-related condition; VWF-related disorders.
Von Willebrand disease type 2A. Identifiers: Orphanet 166084, MedGen C1282968, MONDO:0015628. Inheritance: Autosomal recessive or autosomal dominant.

Submissions (4):

ClinGen von Willebrand Disease Variant Curation Expert Panel, ClinGen
Classification: Uncertain significance for Von Willebrand disease type 2A. Last evaluated: 2025-02-04. Review status: reviewed by expert panel. Criteria: ClinGen VWD 2A B M Rules. Collection method: curation. Allele origin: germline. Inheritance: Autosomal dominant inheritance.
Comment: The c.4837T>C variant in VWF is a missense variant predicted to cause substitution of Serine by Proline at amino acid 1613 (p.Ser1613Pro). At least 1 patient (Patient 14 from PMID: 38053262) with this variant displayed excessive mucocutaneous bleeding as well as laboratory phenotypes of very low VWF activity as indicated by a VWF activity-to-antigen ratio <0.7, and loss of high molecular weight multimers, which together are highly specific for VWD type 2A. Additional consistent phenotypes were also reported in the patient including a FVIII activity consistent with VWF antigen (ratio >0.7) (PP4_Moderate). This variant has been reported in one additional proband (Zimmerman program) with activity/antigen ratio <0.37, abnormal multimers, and normal platelet binding (PS4_Supporting). The computational predictor REVEL gives a score of 0.7, which is above the ClinGen VWD VCEP threshold of >0.644 and predicts a damaging effect on VWF function (PP3). This variant is absent from gnomAD v4.1 (PM2_Supporting). In summary, this variant meets the criteria to be classified as VUS for autosomal recessive von Willebrand disease type 2A based on the ACMG/AMP criteria applied, as specified by the ClinGen VWD VCEP: PS4_Supporting, PP4_Moderate, PP3 and PM2_Supporting (VCEP specifications version 1.0.0; date of approval).

PreventionGenetics, part of Exact Sciences
Classification: Uncertain significance for VWF-related condition. Last evaluated: 2025-07-12. Review status: criteria provided, single submitter. Criteria: ACMG Guidelines, 2015. Collection method: clinical testing. Allele origin: germline. Not counted in ClinVar's aggregate classification.
Comment: The VWF c.4837T>C variant is predicted to result in the amino acid substitution p.Ser1613Pro. This variant was reported in an individual with Von Willebrand disease type 2a (described as p.Ser850Pro, Ginsburg et al. 1993. PubMed ID: 8456431). This variant has not been reported in a large population database (gnomAD), indicating this variant is rare. This variant is interpreted as uncertain by a ClinGen expert group in ClinVar (ID: 292). At this time, the clinical significance of this variant is uncertain due to the absence of conclusive functional and genetic evidence.

OMIM
Classification: Pathogenic for VON WILLEBRAND DISEASE, TYPE 2A. Last evaluated: 2010-05-01. Review status: no assertion criteria provided. Collection method: literature only. Allele origin: germline. Not counted in ClinVar's aggregate classification.

Academic Unit of Haematology, University of Sheffield
No classification provided. Review status: no classification provided. Collection method: not provided. Allele origin: not provided. Not counted in ClinVar's aggregate classification.

Literature cited by the submitters: PubMed 20409624 (cited by OMIM); PubMed 2010538 (cited by OMIM).